The following is an entry in ClinVar:

ClinVar aggregate classification (germline): Uncertain significance (1 of 4 stars; one submission).

Submission:

Labcorp Genetics (formerly Invitae), Labcorp
Classification: Uncertain significance. Last evaluated: 2025-05-14. Review status: criteria provided, single submitter. Criteria: Invitae Variant Classification Sherloc (09022015). Collection method: clinical testing. Allele origin: germline.
Comment: This sequence change replaces alanine, which is neutral and non-polar, with threonine, which is neutral and polar, at codon 350 of the GRIN2D protein (p.Ala350Thr). This variant is not present in population databases (gnomAD no frequency). This variant has not been reported in the literature in individuals affected with GRIN2D-related conditions. ClinVar contains an entry for this variant (Variation ID: 3674998). Invitae Evidence Modeling of protein sequence and biophysical properties (such as structural, functional, and spatial information, amino acid conservation, physicochemical variation, residue mobility, and thermodynamic stability) indicates that this missense variant is not expected to disrupt GRIN2D protein function with a negative predictive value of 95%. In summary, the available evidence is currently insufficient to determine the role of this variant in disease. Therefore, it has been classified as a Variant of Uncertain Significance.

NM_000836.4(GRIN2D):c.1048G>A (p.Ala350Thr)

Gene: GRIN2D (glutamate ionotropic receptor NMDA type subunit 2D; plus strand). Cytogenetic location: 19q13.33.
Variant type: single nucleotide variant.
Coding change: c.1048G>A on transcript NM_000836.4 (MANE Select); coding-DNA position 1048, G replaced by A.
Protein change: p.Ala350Thr; replaces alanine 350 with threonine.
Molecular consequence: missense variant.
Genome position (GRCh38, 1-based): chr19:48,405,316, G>A. VCF-style: chr19-48405316-G-A. GRCh37 (hg19) VCF-style: chr19-48908573-G-A.
Other names: short protein forms A350T.
Identifiers: ClinVar variation 3674998 (VCV003674998.2).